The following is an entry in ClinVar:

NM_000541.5(SAG):c.92G>A (p.Gly31Glu)

Gene: SAG (S-antigen visual arrestin; plus strand). Cytogenetic location: 2q37.1.
Variant type: single nucleotide variant.
Coding change: c.92G>A on transcript NM_000541.5 (MANE Select); coding-DNA position 92, G replaced by A.
Protein change: p.Gly31Glu; replaces glycine 31 with glutamic acid.
Molecular consequence: missense variant.
Genome position (GRCh38, 1-based): chr2:233,316,091, G>A. VCF-style: chr2-233316091-G-A. GRCh37 (hg19) VCF-style: chr2-234224737-G-A.
Other names: short protein forms G31E.
Identifiers: ClinVar variation 2713285 (VCV002713285.3), dbSNP rs1309697567, ClinGen allele CA351043681.

ClinVar aggregate classification (germline): Uncertain significance (1 of 4 stars; one submission).

Allele frequency attached by ClinVar (database versions not stated): TOPMed below 0.00001.

Submission:

Labcorp Genetics (formerly Invitae), Labcorp
Classification: Uncertain significance. Last evaluated: 2023-05-29. Review status: criteria provided, single submitter. Criteria: Invitae Variant Classification Sherloc (09022015). Collection method: clinical testing. Allele origin: germline.
Comment: This variant has not been reported in the literature in individuals affected with SAG-related conditions. Advanced modeling of protein sequence and biophysical properties (such as structural, functional, and spatial information, amino acid conservation, physicochemical variation, residue mobility, and thermodynamic stability) has been performed at Invitae for this missense variant, however the output from this modeling did not meet the statistical confidence thresholds required to predict the impact of this variant on SAG protein function. In summary, the available evidence is currently insufficient to determine the role of this variant in disease. Therefore, it has been classified as a Variant of Uncertain Significance. This sequence change replaces glycine, which is neutral and non-polar, with glutamic acid, which is acidic and polar, at codon 31 of the SAG protein (p.Gly31Glu). This variant is not present in population databases (gnomAD no frequency).